The following is an entry in ClinVar:

NM_000535.7(PMS2):c.733_741delinsGCTGTGCTGTGAAG (p.Leu245_Pro247delinsAlaValLeuTer)

Gene: PMS2 (PMS1 homolog 2, mismatch repair system component; minus strand). Cytogenetic location: 7p22.1.
Variant type: Indel.
Coding change: c.733_741delinsGCTGTGCTGTGAAG on transcript NM_000535.7 (MANE Select); coding-DNA positions 733 to 741, CTGCCCCCT replaced by GCTGTGCTGTGAAG.
Protein change: p.Leu245_Pro247delinsAlaValLeuTer.
Molecular consequence: nonsense. On other transcripts: 5 prime UTR variant (2), non-coding transcript variant (1).
Genome position (GRCh38, 1-based): chr7:5,997,388-5,997,396, AGGGGGCAG replaced by CTTCACAGCACAGC on the plus strand (CTGCCCCCT replaced by GCTGTGCTGTGAAG on the coding strand, the reverse complement: PMS2 is on the minus strand). VCF-style: chr7-5997388-AGGGGGCAG-CTTCACAGCACAGC. GRCh37 (hg19) VCF-style: chr7-6037019-AGGGGGCAG-CTTCACAGCACAGC.
Other names: c.328_336delinsGCTGTGCTGTGAAG, p.Leu110_Pro112delinsAlaValLeuTer (NM_001322003.2, NM_001322004.2, NM_001322005.2 and 2 more transcripts); c.733_741delinsGCTGTGCTGTGAAG, p.Leu245_Pro247delinsAlaValLeuTer (NM_001322006.2, NM_001322014.2); c.415_423delinsGCTGTGCTGTGAAG, p.Leu139_Pro141delinsAlaValLeuTer (NM_001322007.2, NM_001322008.2); c.-201_-193delinsGCTGTGCTGTGAAG (NM_001322011.2, NM_001322012.2); c.160_168delinsGCTGTGCTGTGAAG, p.Leu54_Pro56delinsAlaValLeuTer (NM_001322013.2); c.424_432delinsGCTGTGCTGTGAAG, p.Leu142_Pro144delinsAlaValLeuTer (NM_001322015.2).
Identifiers: ClinVar variation 496041 (VCV000496041.1), dbSNP rs1554301495, ClinGen allele CA658683474.

ClinVar aggregate classification (germline): Likely pathogenic (1 of 4 stars; one submission).

Conditions:
Lynch syndrome. Identifiers: Orphanet 144, MedGen C4552100, MONDO:0005835. Disease mechanism: loss of function.

Submission:

Women's Health and Genetics/Laboratory Corporation of America, LabCorp
Classification: Likely pathogenic for Hereditary nonpolyposis colon cancer. Last evaluated: 2016-11-21. Review status: criteria provided, single submitter. Criteria: LabCorp Variant Classification Summary - May 2015. Collection method: clinical testing. Allele origin: germline.
Comment: Variant summary: The PMS2 c.733_741delinsGCTGTGCTGTGAAG (p.Leu245Alafs) variant results in a premature termination codon, predicted to cause a truncated or absent PMS2 protein due to nonsense mediated decay, which are commonly known mechanisms for disease. Truncations downstream of this position have been classified as pathogenic by our laboratory (e.g.p.Arg341fs). One in silico tool predicts a damaging outcome for this variant. This variant is absent in 120358 control chromosomes. No homology was found in this region between PMS2 and its pseudogenes. The variant of interest has not, to our knowledge, been reported in affected individuals via publications and/or reputable databases/clinical diagnostic laboratories; nor evaluated for functional impact by in vivo/vitro studies. Taken together, this variant is classified as likely pathogenic.